The following is an entry in ClinVar:

NM_138387.4(G6PC3):c.778G>C (p.Gly260Arg)

Gene: G6PC3 (glucose-6-phosphatase catalytic subunit 3; plus strand). Cytogenetic location: 17q21.31.
Variant type: single nucleotide variant.
Coding change: c.778G>C on transcript NM_138387.4 (MANE Select); coding-DNA position 778, G replaced by C.
Protein change: p.Gly260Arg; replaces glycine 260 with arginine.
Molecular consequence: missense variant. On other transcripts: 3 prime UTR variant (1).
Genome position (GRCh38, 1-based): chr17:44,075,780, G>C. VCF-style: chr17-44075780-G-C. GRCh37 (hg19) VCF-style: chr17-42153148-G-C.
Other names: G6PC3, GLY260ARG; c.*71G>C (NM_001319945.2); c.433G>C, p.Gly145Arg (NM_001384165.1, NM_001384166.1, NM_001384167.1 and 1 more transcripts); short protein forms G260R, G145R.
Identifiers: ClinVar variation 30874 (VCV000030874.32), dbSNP rs200478425, ClinGen allele CA342752.

ClinVar aggregate classification (germline): Pathogenic. Review status: criteria provided, multiple submitters, no conflicts (2 of 4 stars). 10 submissions from 10 submitters: Pathogenic (8). 2 of the submissions do not count toward it. Last evaluated 2025-12-06.

Conditions:
G6PC3-related disorders.
Autosomal recessive severe congenital neutropenia due to G6PC3 deficiency. Also called: NEUTROPENIA, SEVERE CONGENITAL, 4, AUTOSOMAL RECESSIVE; G6PC3 Deficiency. Identifiers: Orphanet 331176, MedGen C2751630, MONDO:0012930, OMIM 612541.

Allele frequency attached by ClinVar (database versions not stated): gnomAD 0.00006; TOPMed 0.00006; ExAC 0.00007; ESP Exome Variant Server 0.00023.

Submissions (10):

Labcorp Genetics (formerly Invitae), Labcorp
Classification: Pathogenic for Autosomal recessive severe congenital neutropenia due to G6PC3 deficiency. Last evaluated: 2025-12-06. Review status: criteria provided, single submitter. Criteria: Invitae Variant Classification Sherloc (09022015). Collection method: clinical testing. Allele origin: germline.
Comment: This sequence change replaces glycine, which is neutral and non-polar, with arginine, which is basic and polar, at codon 260 of the G6PC3 protein (p.Gly260Arg). This variant is present in population databases (rs200478425, gnomAD 0.01%). This missense change has been observed in individuals with syndromic severe congenital neutropenia (PMID: 19118303, 20616219, 23180359, 23441086). It has also been observed to segregate with disease in related individuals. ClinVar contains an entry for this variant (Variation ID: 30874). Invitae Evidence Modeling of protein sequence and biophysical properties (such as structural, functional, and spatial information, amino acid conservation, physicochemical variation, residue mobility, and thermodynamic stability) indicates that this missense variant is expected to disrupt G6PC3 protein function with a positive predictive value of 95%. Experimental studies have shown that this missense change affects G6PC3 function (PMID: 25492228). For these reasons, this variant has been classified as Pathogenic.

Women's Health and Genetics/Laboratory Corporation of America, LabCorp
Classification: Pathogenic for Autosomal recessive severe congenital neutropenia due to G6PC3 deficiency. Last evaluated: 2025-04-07. Review status: criteria provided, single submitter. Criteria: LabCorp Variant Classification Summary - May 2015. Collection method: clinical testing. Allele origin: germline.
Comment: Variant summary: G6PC3 c.778G>C (p.Gly260Arg) results in a non-conservative amino acid change in the encoded protein sequence. Five of five in-silico tools predict a damaging effect of the variant on protein function. The variant allele was found at a frequency of 5.6e-05 in 249872 control chromosomes (gnomAD). This frequency is not significantly higher than estimated for a pathogenic variant in G6PC3 causing autosomal recessive severe congenital neutropenia due To G6PC3 deficiency, allowing no conclusion about variant significance. c.778G>C has been reported in the literature in multiple individuals (both homozygous and presumed compound heterozygous) affected with autosomal Recessive severe congenital neutropenia due To G6PC3 deficiency (Boztug_2012, Banka_2011). These data indicate that the variant is very likely to be associated with disease. The following publications have been ascertained in the context of this evaluation (PMID: 22050868, 21264919). ClinVar contains an entry for this variant (Variation ID: 30874). Based on the evidence outlined above, the variant was classified as pathogenic.

GeneDx
Classification: Pathogenic. Last evaluated: 2024-10-23. Review status: criteria provided, single submitter. Criteria: GeneDx Variant Classification Process June 2021. Collection method: clinical testing. Allele origin: germline. Affected: yes.
Comment: Published functional studies demonstrate a damaging effect with no detectable enzyme activity (PMID: 25492228); Reported as a common pathogenic variant among individuals of European background (PMID: 23758768); Not observed at significant frequency in large population cohorts (gnomAD); In silico analysis supports that this missense variant has a deleterious effect on protein structure/function; This variant is associated with the following publications: (PMID: 23441086, 19118303, 19775295, 20220065, 20616219, 23180359, 25491320, 23758768, 25492228)

Blueprint Genetics
Classification: Pathogenic for G6PC3-related disorders. Last evaluated: 2024-09-24. Review status: criteria provided, single submitter. Criteria: ACMG Guidelines, 2015. Collection method: clinical testing. Allele origin: germline. Affected: yes. Observed: 5 variant alleles.

Baylor Genetics
Classification: Pathogenic for Autosomal recessive severe congenital neutropenia due to G6PC3 deficiency. Last evaluated: 2023-10-18. Review status: criteria provided, single submitter. Criteria: ACMG Guidelines, 2015. Collection method: clinical testing. Allele origin: unknown.

Mayo Clinic Laboratories, Mayo Clinic
Classification: Pathogenic. Last evaluated: 2023-01-03. Review status: criteria provided, single submitter. Criteria: ACMG Guidelines, 2015. Collection method: clinical testing. Allele origin: germline. Observed: 2 variant alleles.
Comment: PP1, PP3, PM3_very_strong, PS3_moderate, PS4

Mendelics
Classification: Pathogenic. Last evaluated: 2019-05-28. Review status: criteria provided, single submitter. Criteria: Mendelics Assertion Criteria 2017. Collection method: clinical testing. Allele origin: unknown.

Seattle Children's Hospital Molecular Genetics Laboratory, Seattle Children's Hospital
Classification: Pathogenic for Autosomal recessive severe congenital neutropenia due to G6PC3 deficiency. Review status: criteria provided, single submitter. Criteria: ACMG Guidelines, 2015. Collection method: clinical testing. Allele origin: germline. Affected: yes.
Comment: The p.Gly260Arg variant substitutes the glycine at amino acid position 260 with an arginine. This variant has been observed in the homozygous state or in trans with a second pathogenic variant in multiple unrelated individuals with G6PC3 (MIM: 612541; PMID: 23758768, PMID: 23180359, PMID: 19118303, PMID: 22050868). The p.Gly260Arg variant is an ancient founder variant found primarily in individuals of European ancestry (14 of 129,040 alleles, gnomAD v2.1.1; PMID: 23758768). Functional studies have shown that the p.Gly260Arg variant lacks hydrolytic activity (PMID: 25492228, McDermott et al., PMID: 20616219).

OMIM
Classification: Pathogenic for NEUTROPENIA, SEVERE CONGENITAL, 4, AUTOSOMAL RECESSIVE. Last evaluated: 2010-10-14. Review status: no assertion criteria provided. Collection method: literature only. Allele origin: germline. Not counted in ClinVar's aggregate classification.

GeneReviews
No classification provided. Condition: Autosomal recessive severe congenital neutropenia due to G6PC3 deficiency. Review status: no classification provided. Collection method: literature only. Allele origin: germline. Affected: yes. Not counted in ClinVar's aggregate classification.

Literature cited by the submitters: PubMed 19118303 (cited by 3 submitters); PubMed 20616219 (cited by 3 submitters); PubMed 23180359 (cited by Labcorp Genetics (formerly Invitae), Labcorp and Mayo Clinic Laboratories, Mayo Clinic); PubMed 23441086 (cited by Labcorp Genetics (formerly Invitae), Labcorp and Mayo Clinic Laboratories, Mayo Clinic); PubMed 25492228 (cited by Labcorp Genetics (formerly Invitae), Labcorp and Mayo Clinic Laboratories, Mayo Clinic); PubMed 22050868 (cited by Women's Health and Genetics/Laboratory Corporation of America, LabCorp); PubMed 21264919 (cited by Women's Health and Genetics/Laboratory Corporation of America, LabCorp); PubMed 25326635 (cited by Baylor Genetics); PubMed 19775295 (cited by Mayo Clinic Laboratories, Mayo Clinic); PubMed 20220065 (cited by Mayo Clinic Laboratories, Mayo Clinic); PubMed 23758768 (cited by Mayo Clinic Laboratories, Mayo Clinic and GeneReviews); PubMed 25491320 (cited by Mayo Clinic Laboratories, Mayo Clinic); NCBI Bookshelf NBK285321 (cited by GeneReviews).